The following is an entry in ClinVar:

ClinVar aggregate classification (germline): Conflicting classifications of pathogenicity. Review status: criteria provided, conflicting classifications (1 of 4 stars). 5 submissions from 5 submitters: Uncertain significance (1); Likely benign (4). Last evaluated 2025-12-23.

Conditions:
Hereditary cancer-predisposing syndrome. Also called: Neoplastic Syndromes, Hereditary; Hereditary neoplastic syndrome; Tumor predisposition; Hereditary Cancer Syndrome. Identifiers: Orphanet 140162, MedGen C0027672, MeSH D009386, MONDO:0015356.
Oligodontia-cancer predisposition syndrome. Also called: TOOTH AGENESIS-COLORECTAL CANCER SYNDROME. Identifiers: Orphanet 300576, MedGen C1837750, MONDO:0012075, OMIM 608615. Disease mechanism: loss of function.

Allele frequency attached by ClinVar (database versions not stated): gnomAD 0.00003.

Submissions (5):

Labcorp Genetics (formerly Invitae), Labcorp
Classification: Likely benign for Oligodontia-cancer predisposition syndrome. Last evaluated: 2025-12-23. Review status: criteria provided, single submitter. Criteria: Invitae Variant Classification Sherloc (09022015). Collection method: clinical testing. Allele origin: germline.

Quest Diagnostics Nichols Institute San Juan Capistrano
Classification: Likely benign. Last evaluated: 2023-04-26. Review status: criteria provided, single submitter. Criteria: Quest Diagnostics criteria. Collection method: clinical testing. Allele origin: unknown.

Ambry Genetics
Classification: Likely benign for Hereditary cancer-predisposing syndrome. Last evaluated: 2020-02-27. Review status: criteria provided, single submitter. Criteria: Ambry Variant Classification Scheme 2023. Collection method: clinical testing. Allele origin: germline.

Illumina Laboratory Services, Illumina
Classification: Uncertain significance for Oligodontia-cancer predisposition syndrome. Last evaluated: 2018-01-12. Review status: criteria provided, single submitter. Criteria: ICSL Variant Classification Criteria 13 December 2019. Collection method: clinical testing. Allele origin: germline.

GeneDx
Classification: Likely benign. Last evaluated: 2016-05-06. Review status: criteria provided, single submitter. Criteria: GeneDx Variant Classification (06012015). Collection method: clinical testing. Allele origin: germline. Affected: yes.
Comment: This variant is considered likely benign or benign based on one or more of the following criteria: it is a conservative change, it occurs at a poorly conserved position in the protein, it is predicted to be benign by multiple in silico algorithms, and/or has population frequency not consistent with disease.

NM_004655.4(AXIN2):c.2196G>A (p.Thr732=)

Gene: AXIN2 (axin 2; minus strand). Cytogenetic location: 17q24.1.
Variant type: single nucleotide variant.
Coding change: c.2196G>A on transcript NM_004655.4 (MANE Select); coding-DNA position 2196, G replaced by A.
Protein change: p.Thr732=; no amino-acid change (threonine 732 retained).
Molecular consequence: synonymous variant.
Genome position (GRCh38, 1-based): chr17:65,535,667, C>T on the plus strand (G>A on the coding strand, the complement: AXIN2 is on the minus strand). VCF-style: chr17-65535667-C-T. GRCh37 (hg19) VCF-style: chr17-63531785-C-T.
Other names: c.2196G>A (LRG_296t1); c.2001G>A, p.Thr667= (NM_001363813.1).
Identifiers: ClinVar variation 240009 (VCV000240009.19), dbSNP rs878854725, ClinGen allele CA10583646.